The following is an entry in ClinVar:

NM_005144.5(HR):c.-255C>T

Genes: HR (HR lysine demethylase and nuclear receptor corepressor; minus strand), HRURF (HR upstream open reading frame; minus strand). Cytogenetic location: 8p21.3.
Variant type: single nucleotide variant.
Coding change: c.-255C>T on transcript NM_005144.5 (MANE Select); 255 bases upstream of the start codon, C replaced by T.
Molecular consequence: 5 prime UTR variant. On other transcripts: nonsense (1).
Genome position (GRCh38, 1-based): chr8:22,130,642, G>A on the plus strand (C>T on the coding strand, the complement: HR is on the minus strand). VCF-style: chr8-22130642-G-A. GRCh37 (hg19) VCF-style: chr8-21988155-G-A.
Other names: c.67C>T, p.Gln23Ter (NM_001394132.1); c.-255C>T (NM_018411.4); short protein forms Q23*.
Identifiers: ClinVar variation 4071893 (VCV004071893.1).

ClinVar aggregate classification (germline): Uncertain significance (1 of 4 stars; one submission).

gnomAD v4.1: 1 of 152,418 alleles (0.00066%); highest among the groups gnomAD compares: Non-Finnish European, 0.0015%; no homozygotes.

Submission:

GeneDx
Classification: Uncertain significance. Last evaluated: 2025-01-28. Review status: criteria provided, single submitter. Criteria: GeneDx Variant Classification Process June 2021. Collection method: clinical testing. Allele origin: germline. Affected: yes.
Comment: Located in a regulatory region; in the absence of functional studies, the actual effect of this sequence change is unknown; Nucleotide is not conserved across species and the substitution has no predicted effect on splicing; No data available from control populations to assess the frequency of this variant; This variant is associated with the following publications: (PMID: 37012647)